The following is an entry in ClinVar:

NM_007194.4(CHEK2):c.908+1G>C

Gene: CHEK2 (checkpoint kinase 2; minus strand). Cytogenetic location: 22q12.1.
Variant type: single nucleotide variant.
Coding change: c.908+1G>C on transcript NM_007194.4 (MANE Select); the canonical splice donor site of the intron after coding-DNA position 908, G replaced by C.
Molecular consequence: splice donor variant.
Genome position (GRCh38, 1-based): chr22:28,703,504, C>G on the plus strand (G>C on the coding strand, the complement: CHEK2 is on the minus strand). VCF-style: chr22-28703504-C-G. GRCh37 (hg19) VCF-style: chr22-29099492-C-G.
Other names: c.245+1G>C (NM_001437942.1, NM_001257387.3); c.707+1G>C (NM_001349956.3); c.908+1G>C (NM_145862.3); c.1001+1G>C (NM_001438295.1, NM_001438293.1); c.1037+1G>C (NM_001438294.1, NM_001005735.3).
Identifiers: ClinVar variation 496347 (VCV000496347.12), dbSNP rs587781699, ClinGen allele CA411100868.
Genomic context (GRCh38, chr22:28,703,504, plus strand): 5'-TTTGGTGGCTTTATAAAGCATTTGAATGGAAACAGAAATTTTTAAAAAGTTTACTACTTA[C>G]AATTCCAAAACAATATAATAATCTTCTGCATCAAAAAAGTTTTTAATCTTGATGATGCAA-3'

ClinVar aggregate classification (germline): Likely pathogenic. Review status: criteria provided, multiple submitters, no conflicts (2 of 4 stars). 3 submissions from 3 submitters: Likely pathogenic (3). Last evaluated 2024-07-23.

Conditions:
Hereditary breast ovarian cancer syndrome. Also called: Breast and ovarian cancer; BRCA1- and BRCA2-Associated Hereditary Breast and Ovarian Cancer; Hereditary breast and ovarian cancer syndrome (HBOC); Hereditary breast and ovarian cancer; Hereditary breast and/or ovarian cancer syndrome; Hereditary breast and ovarian cancer syndrome. Identifiers: Orphanet 145, MedGen C0677776, MeSH D061325, MONDO:0003582. Disease mechanism: loss of function.
Familial cancer of breast. Also called: Hereditary breast cancer; hereditary breast carcinoma; BREAST CANCER, FAMILIAL. Identifiers: Orphanet 227535, MedGen C0346153, MONDO:0016419, OMIM 114480. Disease mechanism: loss of function.

Submissions (3):

Labcorp Genetics (formerly Invitae), Labcorp
Classification: Likely pathogenic for Familial cancer of breast. Last evaluated: 2024-07-23. Review status: criteria provided, single submitter. Criteria: Invitae Variant Classification Sherloc (09022015). Collection method: clinical testing. Allele origin: germline.
Comment: This sequence change affects a donor splice site in intron 8 of the CHEK2 gene. RNA analysis indicates that disruption of this splice site induces altered splicing and may result in an absent or altered protein product. This variant is not present in population databases (gnomAD no frequency). Disruption of this splice site has been observed in individual(s) with prostate cancer (PMID: 31214711, 32832836). ClinVar contains an entry for this variant (Variation ID: 496347). Studies have shown that disruption of this splice site results in skipping of exon 8 , and produces a non-functional protein and/or introduces a premature termination codon (Invitae). In summary, the currently available evidence indicates that the variant is pathogenic, but additional data are needed to prove that conclusively. Therefore, this variant has been classified as Likely Pathogenic.

Myriad Genetics, Inc.
Classification: Likely pathogenic for Familial cancer of breast. Last evaluated: 2023-06-27. Review status: criteria provided, single submitter. Criteria: Myriad Autosomal Dominant, Autosomal Recessive and X-Linked Classification Criteria (2023). Collection method: clinical testing. Allele origin: unknown.
Comment: This variant is considered likely pathogenic. This variant occurs within a consensus splice junction and is predicted to result in abnormal mRNA splicing of either an out-of-frame exon or an in-frame exon necessary for protein stability and/or normal function.

Women's Health and Genetics/Laboratory Corporation of America, LabCorp
Classification: Likely pathogenic for Hereditary breast ovarian cancer syndrome. Last evaluated: 2017-08-21. Review status: criteria provided, single submitter. Criteria: LabCorp Variant Classification Summary - May 2015. Collection method: clinical testing. Allele origin: germline.
Comment: Variant summary: The c.908+1G>C (aka IVS8+1G>C) in a CHEK2 gene is a splice-site variant that alters a highly conserved nucleotide. 5/5 in silico tools via Alamut predict this variant to disrupt a canonical donor sequence, however these predictions have yet to be confirmed by functional assay. The variant is absent from control datasets of ExAC and gnomAD (~29770 and 196838 chrs tested, respectively). The variant has not, to our knowledge, been reported in affected individuals via publications or cited as by a reputable database/clinical laboratory. Alteration on the same nucleotide, c.908+1G>A, has been reported in at least 3 BrC patients (Leedom, 2016) with classification of Likely Pathogenic. Taken together, the variant was classified as Likely Pathogenic.

Literature cited by the submitters: PubMed 31214711 (cited by Labcorp Genetics (formerly Invitae), Labcorp); PubMed 32832836 (cited by Labcorp Genetics (formerly Invitae), Labcorp).